The following is an entry in ClinVar:

NM_000890.5(KCNJ5):c.314G>C (p.Gly105Ala)

Gene: KCNJ5 (potassium inwardly rectifying channel subfamily J member 5; plus strand). Cytogenetic location: 11q24.3.
Variant type: single nucleotide variant.
Coding change: c.314G>C on transcript NM_000890.5 (MANE Select); coding-DNA position 314, G replaced by C.
Protein change: p.Gly105Ala; replaces glycine 105 with alanine.
Molecular consequence: missense variant.
Genome position (GRCh38, 1-based): chr11:128,911,587, G>C. VCF-style: chr11-128911587-G-C. GRCh37 (hg19) VCF-style: chr11-128781482-G-C.
Other names: p.G105A:GGC>GCC; c.314G>C (LRG_333t1); c.314G>C, p.Gly105Ala (NM_001354169.2); short protein forms G105A.
Identifiers: ClinVar variation 190826 (VCV000190826.4), dbSNP rs776932193, ClinGen allele CA302088.

ClinVar aggregate classification (germline): Uncertain significance. Review status: criteria provided, multiple submitters, no conflicts (2 of 4 stars). 2 submissions from 2 submitters: Uncertain significance (2). Last evaluated 2026-01-12.

Conditions:
Long QT syndrome (LQTS). Identifiers: MedGen C0023976, MeSH D008133, MONDO:0002442. Disease mechanism: loss of function. Inheritance: Various modes of inheritance.

Allele frequency attached by ClinVar (database versions not stated): ExAC 0.00001.
gnomAD v4.1: 7 of 1,614,210 alleles (0.00043%); highest among the groups gnomAD compares: Non-Finnish European, 0.00051%; no homozygotes.

Submissions (2):

Labcorp Genetics (formerly Invitae), Labcorp
Classification: Uncertain significance for Long QT syndrome. Last evaluated: 2026-01-12. Review status: criteria provided, single submitter. Criteria: Invitae Variant Classification Sherloc (09022015). Collection method: clinical testing. Allele origin: germline.
Comment: This sequence change replaces glycine, which is neutral and non-polar, with alanine, which is neutral and non-polar, at codon 105 of the KCNJ5 protein (p.Gly105Ala). This variant is present in population databases (rs776932193, gnomAD 0.0009%). This variant has not been reported in the literature in individuals affected with KCNJ5-related conditions. ClinVar contains an entry for this variant (Variation ID: 190826). Invitae Evidence Modeling of protein sequence and biophysical properties (such as structural, functional, and spatial information, amino acid conservation, physicochemical variation, residue mobility, and thermodynamic stability) indicates that this missense variant is not expected to disrupt KCNJ5 protein function with a negative predictive value of 80%. In summary, the available evidence is currently insufficient to determine the role of this variant in disease. Therefore, it has been classified as a Variant of Uncertain Significance.

GeneDx
Classification: Uncertain significance. Last evaluated: 2017-01-11. Review status: criteria provided, single submitter. Criteria: GeneDx Variant Classification (06012015). Collection method: clinical testing. Allele origin: germline. Affected: yes.
Comment: p.Gly105Ala (GGC>GCC): c.314 G>C in exon 2 of the KCNJ5 gene (NM_000890.3).The Gly105Ala variant in the KCNJ5 gene has not been reported as a disease-causing mutation or as a benign polymorphism to our knowledge. Although Gly105Ala results in a conservative amino acid substitution of one non-polar amino acid for another, this position is conserved across species. In silico algorithms are not consistent in their predictions but at least two concur Gly105Ala is probably damaging to the protein structure/function. Furthermore, the Gly105Ala variant was not observed in approximately 6,500 individuals of European and African American ancestry in the NHLBI Exome Sequencing Project, indicating it is not a common benign variant in these populations. However, no mutations in nearby residues have been reported in association with arrhythmia, indicating this region of the protein may be tolerant of change.With the clinical and molecular information available at this time, we cannot definitively determine if Gly105Ala is a disease-causing mutation or a rare benign variant.The variant is found in ARRHYTHMIA panel(s).